The following is an entry in ClinVar:

NM_001267550.2(TTN):c.53012C>T (p.Ala17671Val)

Genes: TTN (titin; minus strand), TTN-AS1 (TTN antisense RNA 1; plus strand), LOC126806425 (BRD4-independent group 4 enhancer GRCh37_chr2:179471933-179473132; plus strand). Cytogenetic location: 2q31.2.
Variant type: single nucleotide variant.
Coding change: c.53012C>T on transcript NM_001267550.2 (MANE Select); coding-DNA position 53012, C replaced by T.
Protein change: p.Ala17671Val; replaces alanine 17671 with valine.
Molecular consequence: missense variant.
Genome position (GRCh38, 1-based): chr2:178,607,676, G>A on the plus strand (C>T on the coding strand, the complement: TTN is on the minus strand). VCF-style: chr2-178607676-G-A. GRCh37 (hg19) VCF-style: chr2-179472403-G-A.
Other names: c.25817C>T, p.Ala8606Val (NM_003319.4); c.26192C>T, p.Ala8731Val (NM_133432.3); c.26393C>T, p.Ala8798Val (NM_133437.4); c.48089C>T, p.Ala16030Val (NM_001256850.1); c.45308C>T, p.Ala15103Val (NM_133378.4); short protein forms A15103V, A17671V, A16030V, A8798V, A8731V, A8606V.
Identifiers: ClinVar variation 165992 (VCV000165992.15), dbSNP rs549478203, ClinGen allele CA178776.

ClinVar aggregate classification (germline): Conflicting classifications of pathogenicity. Review status: criteria provided, conflicting classifications (1 of 4 stars). 7 submissions from 7 submitters: Uncertain significance (5); Likely benign (2). Last evaluated 2026-07-15.

Conditions:
Cardiovascular phenotype. Identifiers: MedGen CN230736.
TTN-related disorder. Also called: TTN-related condition; TTN-related disease; TTN-related disorders.
Dilated cardiomyopathy 1G (CMD1G). Identifiers: Orphanet 154, MedGen C1858763, MONDO:0011400, OMIM 604145.
Autosomal recessive limb-girdle muscular dystrophy type 2J (LGMDR10). Also called: Limb-girdle muscular dystrophy, type 2J; MUSCULAR DYSTROPHY, LIMB-GIRDLE, AUTOSOMAL RECESSIVE 10. Identifiers: Orphanet 140922, MedGen C1837342, MONDO:0012127, OMIM 608807.

Allele frequency attached by ClinVar (database versions not stated): gnomAD exomes 0.00001 and 0.00002; ExAC 0.00002; gnomAD 0.00009 and 0.00011; TOPMed 0.00010; 1000 Genomes Project 30x 0.00031; 1000 Genomes Project 0.00040.
gnomAD v4.1: 30 of 1,612,824 alleles (0.0019%); highest among the groups gnomAD compares: African/African-American, 0.033%; no homozygotes.

Submissions (7):

PreventionGenetics, part of Exact Sciences
Classification: Uncertain significance for TTN-related condition. Last evaluated: 2026-07-15. Review status: criteria provided, single submitter. Criteria: ACMG Guidelines, 2015. Collection method: clinical testing. Allele origin: germline.
Comment: The TTN c.53012C>T variant is predicted to result in the amino acid substitution p.Ala17671Val. To our knowledge, this variant has not been reported in the literature. This variant is reported in 0.021% of alleles in individuals of African descent in gnomAD. At this time, the clinical significance of this variant is uncertain due to the absence of conclusive functional and genetic evidence.

Molecular Diagnostic Laboratory for Inherited Cardiovascular Disease, Montreal Heart Institute
Classification: Likely benign. Last evaluated: 2025-04-09. Review status: criteria provided, single submitter. Criteria: ACMG Guidelines, 2015. Collection method: clinical testing. Allele origin: germline. Affected: no.

Revvity Omics, Revvity
Classification: Uncertain significance. Last evaluated: 2020-10-06. Review status: criteria provided, single submitter. Criteria: ACMG Guidelines, 2015. Collection method: clinical testing. Allele origin: germline.

Labcorp Genetics (formerly Invitae), Labcorp
Classification: Uncertain significance for Dilated cardiomyopathy 1G; Autosomal recessive limb-girdle muscular dystrophy type 2J. Last evaluated: 2017-12-12. Review status: criteria provided, single submitter. Criteria: Invitae Variant Classification Sherloc (09022015). Collection method: clinical testing. Allele origin: germline.

Laboratory for Molecular Medicine, Mass General Brigham Personalized Medicine
Classification: Uncertain significance. Last evaluated: 2017-11-06. Review status: criteria provided, single submitter. Criteria: LMM Criteria. Collection method: clinical testing. Allele origin: germline. Observed: 2 variant alleles.
Comment: Variant classified as Uncertain Significance - Favor Benign. The p.Ala15103Val v ariant in TTN has not been previously reported in individuals with cardiomyopath y, but has been identified in 5/23972 of African chromosomes by the Genome Aggre gation Database (gnomAD; dbSNP rs549478203). A lanine (Ala) at position 15103 is not conserved in mammals or evolutionarily dis tant species and at least 10 fish species carry a valine (Val) at this position, raising the possibility that a change at this position may be tolerated. Additi onal computational prediction tools suggest that this variant may not impact the protein, though this information is not predictive enough to rule out pathogeni city. In summary, while the clinical significance of the p.Ala15103Val variant i s uncertain, these data suggest that it is more likely to be benign. ACMG/AMP Cr iteria applied: BP4 (Richards 2015).

GeneDx
Classification: Likely benign. Last evaluated: 2017-05-16. Review status: criteria provided, single submitter. Criteria: GeneDx Variant Classification (06012015). Collection method: clinical testing. Allele origin: germline. Affected: yes.
Comment: This variant is considered likely benign or benign based on one or more of the following criteria: it is a conservative change, it occurs at a poorly conserved position in the protein, it is predicted to be benign by multiple in silico algorithms, and/or has population frequency not consistent with disease.

Ambry Genetics
Classification: Uncertain significance for Cardiovascular phenotype. Last evaluated: 2013-05-30. Review status: criteria provided, single submitter. Criteria: Ambry Autosomal Dominant and X-Linked criteria (10/2015). Collection method: clinical testing. Allele origin: germline. Observed: 1 variant allele.
Comment: There is insufficient or conflicting evidence for classification of this alteration.